The following is an entry in ClinVar:

ClinVar aggregate classification (germline): Uncertain significance. Review status: criteria provided, multiple submitters, no conflicts (2 of 4 stars). 2 submissions from 2 submitters: Uncertain significance (2). Last evaluated 2025-10-01.

Conditions:
Inborn genetic diseases. Identifiers: MedGen C0950123, MeSH D030342.

Allele frequency attached by ClinVar (database versions not stated): ExAC below 0.00001; gnomAD 0.00004 and 0.00006; TOPMed 0.00006; ESP Exome Variant Server 0.00008.
gnomAD v4.1: 45 of 1,554,934 alleles (0.0029%); highest among the groups gnomAD compares: African/African-American, 0.018%; 1 homozygote.

Submissions (2):

Labcorp Genetics (formerly Invitae), Labcorp
Classification: Uncertain significance. Last evaluated: 2025-10-01. Review status: criteria provided, single submitter. Criteria: Invitae Variant Classification Sherloc (09022015). Collection method: clinical testing. Allele origin: germline.
Comment: This sequence change replaces arginine, which is basic and polar, with histidine, which is basic and polar, at codon 245 of the TRAF3IP1 protein (p.Arg245His). This variant is present in population databases (rs374590341, gnomAD 0.02%). This variant has not been reported in the literature in individuals affected with TRAF3IP1-related conditions. ClinVar contains an entry for this variant (Variation ID: 1002435). Invitae Evidence Modeling of protein sequence and biophysical properties (such as structural, functional, and spatial information, amino acid conservation, physicochemical variation, residue mobility, and thermodynamic stability) indicates that this missense variant is not expected to disrupt TRAF3IP1 protein function with a negative predictive value of 80%. In summary, the available evidence is currently insufficient to determine the role of this variant in disease. Therefore, it has been classified as a Variant of Uncertain Significance.

Ambry Genetics
Classification: Uncertain significance for Inborn genetic diseases. Last evaluated: 2024-11-21. Review status: criteria provided, single submitter. Criteria: Ambry Variant Classification Scheme 2023. Collection method: clinical testing. Allele origin: germline.

NM_015650.4(TRAF3IP1):c.734G>A (p.Arg245His)

Gene: TRAF3IP1 (TRAF3 interacting protein 1; plus strand). Cytogenetic location: 2q37.3.
Variant type: single nucleotide variant.
Coding change: c.734G>A on transcript NM_015650.4 (MANE Select); coding-DNA position 734, G replaced by A.
Protein change: p.Arg245His; replaces arginine 245 with histidine.
Molecular consequence: missense variant.
Genome position (GRCh38, 1-based): chr2:238,329,161, G>A. VCF-style: chr2-238329161-G-A. GRCh37 (hg19) VCF-style: chr2-239237802-G-A.
Other names: c.734G>A, p.Arg245His (NM_001139490.1); c.734G>A (NM_015650.3); short protein forms R245H.
Identifiers: ClinVar variation 1002435 (VCV001002435.8), dbSNP rs374590341, ClinGen allele CA2198126.